The following is an entry in ClinVar:

NM_000489.6(ATRX):c.5456A>T (p.Asp1819Val)

Gene: ATRX (ATRX chromatin remodeler; minus strand). Cytogenetic location: Xq21.1.
Variant type: single nucleotide variant.
Coding change: c.5456A>T on transcript NM_000489.6 (MANE Select); coding-DNA position 5456, A replaced by T.
Protein change: p.Asp1819Val; replaces aspartic acid 1819 with valine.
Molecular consequence: missense variant.
Genome position (GRCh38, 1-based): chrX:77,616,723, T>A on the plus strand (A>T on the coding strand, the complement: ATRX is on the minus strand). VCF-style: chrX-77616723-T-A. GRCh37 (hg19) VCF-style: chrX-76872191-T-A.
Other names: c.5342A>T, p.Asp1781Val (NM_138270.5); short protein forms D1781V, D1819V.
Identifiers: ClinVar variation 2412846 (VCV002412846.3), dbSNP rs2522020543, ClinGen allele CA413700544.

ClinVar aggregate classification (germline): Uncertain significance (1 of 4 stars; one submission).

Submission:

GeneDx
Classification: Uncertain significance. Last evaluated: 2022-07-26. Review status: criteria provided, single submitter. Criteria: GeneDx Variant Classification Process June 2021. Collection method: clinical testing. Allele origin: germline. Affected: yes.
Comment: Not observed at significant frequency in large population cohorts (gnomAD); In silico analysis supports that this missense variant has a deleterious effect on protein structure/function; This variant is associated with the following publications: (PMID: 26411299)